The following is an entry in ClinVar:

NM_005751.5(AKAP9):c.5163-20G>A

Gene: AKAP9 (A-kinase anchoring protein 9; plus strand). Cytogenetic location: 7q21.2.
Variant type: single nucleotide variant.
Coding change: c.5163-20G>A on transcript NM_005751.5 (MANE Select); 20 bases into the intron before coding-DNA position 5163, G replaced by A.
Molecular consequence: intron variant.
Genome position (GRCh38, 1-based): chr7:92,044,988, G>A. VCF-style: chr7-92044988-G-A. GRCh37 (hg19) VCF-style: chr7-91674302-G-A.
Other names: c.5163-20G>A (NM_147185.3).
Identifiers: ClinVar variation 136331 (VCV000136331.19), dbSNP rs9785013, ClinGen allele CA163146.
Genomic context (GRCh38, chr7:92,044,988, plus strand): 5'-TGTACTTTTTAGTGGACATAAGCAAAGTGTTTGCTTCAAAAATATTAAACATTTTAATCA[G>A]TGCTTCTTTATCTATACAGGTATGCACTCCAGAAAGCTAATAATAGACTTTTGAAGATCC-3'

ClinVar aggregate classification (germline): Benign. Review status: criteria provided, multiple submitters, no conflicts (2 of 4 stars). 10 submissions from 10 submitters: Benign (8). 2 of the submissions do not count toward it. Last evaluated 2026-02-04.

Conditions:
Long QT syndrome (LQTS). Identifiers: MedGen C0023976, MeSH D008133, MONDO:0002442. Disease mechanism: loss of function. Inheritance: Various modes of inheritance.
Long QT syndrome 11 (LQT11). Identifiers: Orphanet 101016, Orphanet 768, MedGen C2678483, MONDO:0012738, OMIM 611820.

Allele frequency attached by ClinVar (database versions not stated): ESP Exome Variant Server 0.48316; gnomAD exomes 0.39145 and 0.39147; ExAC 0.39928; 1000 Genomes Project 0.42851; 1000 Genomes Project 30x 0.43645; gnomAD 0.45549 and 0.46162; TOPMed 0.46021.
gnomAD v4.1: 625,112 of 1,570,554 alleles (40%); highest among the groups gnomAD compares: African/African-American, 65%; 128,766 homozygotes.

Submissions (10):

Labcorp Genetics (formerly Invitae), Labcorp
Classification: Benign for Long QT syndrome. Last evaluated: 2026-02-04. Review status: criteria provided, single submitter. Criteria: Invitae Variant Classification Sherloc (09022015). Collection method: clinical testing. Allele origin: germline.

Blueprint Genetics
Classification: Benign. Last evaluated: 2024-11-27. Review status: criteria provided, single submitter. Criteria: ACMG Guidelines, 2015. Collection method: clinical testing. Allele origin: germline.

Genome-Nilou Lab
Classification: Benign for Long QT syndrome 11. Last evaluated: 2021-12-05. Review status: criteria provided, single submitter. Criteria: ACMG Guidelines, 2015. Collection method: clinical testing. Allele origin: germline. Affected: no.

Women's Health and Genetics/Laboratory Corporation of America, LabCorp
Classification: Benign. Last evaluated: 2019-08-12. Review status: criteria provided, single submitter. Criteria: LabCorp Variant Classification Summary - May 2015. Collection method: clinical testing. Allele origin: germline.
Comment: Variant summary: AKAP9 c.5163-20G>A alters a nucleotide located close to a canonical splice site and therefore could affect mRNA splicing, leading to a significantly altered protein sequence. 5/5 computational tools predict no significant impact on normal splicing. However, these predictions have yet to be confirmed by functional studies. The variant allele was found at a frequency of 0.39 in 250218 control chromosomes, predominantly at a frequency of 0.65 within the African or African-American subpopulation in the gnomAD database, including 3362 homozygotes. Therefore, suggesting the variant is the major allele observed in population(s) of African-American origin. A ClinVar submission (evaluation after 2014) cites the variant as benign. Based on the evidence outlined above, the variant was classified as benign.

Eurofins Ntd Llc (ga)
Classification: Benign. Last evaluated: 2015-06-08. Review status: criteria provided, single submitter. Criteria: EGL Classification Definitions 2015. Collection method: clinical testing. Allele origin: germline. Observed: 1 variant allele, 1 heterozygote.

GeneDx
Classification: Benign. Last evaluated: 2011-08-23. Review status: criteria provided, single submitter. Criteria: GeneDx Variant Classification (06012015). Collection method: clinical testing. Allele origin: germline. Affected: yes.
Comment: This variant is considered likely benign or benign based on one or more of the following criteria: it is a conservative change, it occurs at a poorly conserved position in the protein, it is predicted to be benign by multiple in silico algorithms, and/or has population frequency not consistent with disease.

Breakthrough Genomics
Classification: Benign. Review status: criteria provided, single submitter. Criteria: ACMG Guidelines, 2015. Collection method: not provided. Allele origin: germline. Inheritance: Autosomal dominant inheritance. Affected: yes.

PreventionGenetics, part of Exact Sciences
Classification: Benign. Review status: criteria provided, single submitter. Criteria: ACMG Guidelines, 2015. Collection method: clinical testing. Allele origin: germline.

Clinical Genetics, Academic Medical Center
Classification: Benign. Review status: no assertion criteria provided. Collection method: clinical testing. Allele origin: germline. Affected: yes. Study: VKGL Data-share Consensus. Not counted in ClinVar's aggregate classification.

Diagnostic Laboratory, Department of Genetics, University Medical Center Groningen
Classification: Benign for Long QT syndrome 11. Review status: no assertion criteria provided. Collection method: clinical testing. Allele origin: germline. Affected: yes. Study: VKGL Data-share Consensus. Not counted in ClinVar's aggregate classification.